The following is an entry in ClinVar:

NM_001371986.1(UNC80):c.727A>G (p.Lys243Glu)

Gene: UNC80 (unc-80 subunit of NALCN channel complex; plus strand). Cytogenetic location: 2q34.
Variant type: single nucleotide variant.
Coding change: c.727A>G on transcript NM_001371986.1 (MANE Select); coding-DNA position 727, A replaced by G.
Protein change: p.Lys243Glu; replaces lysine 243 with glutamic acid.
Molecular consequence: missense variant.
Genome position (GRCh38, 1-based): chr2:209,789,534, A>G. VCF-style: chr2-209789534-A-G. GRCh37 (hg19) VCF-style: chr2-210654258-A-G.
Other names: c.727A>G, p.Lys243Glu (NM_032504.2, NM_182587.4); short protein forms K243E.
Identifiers: ClinVar variation 2010331 (VCV002010331.4), dbSNP rs777396216, ClinGen allele CA2082835.

ClinVar aggregate classification (germline): Uncertain significance (1 of 4 stars; one submission).

Allele frequency attached by ClinVar (database versions not stated): gnomAD exomes below 0.00001; ExAC 0.00002.
gnomAD v4.1: 7 of 1,611,264 alleles (0.00043%); highest among the groups gnomAD compares: Non-Finnish European, 0.00059%; no homozygotes.

Submission:

Labcorp Genetics (formerly Invitae), Labcorp
Classification: Uncertain significance. Last evaluated: 2022-06-24. Review status: criteria provided, single submitter. Criteria: Invitae Variant Classification Sherloc (09022015). Collection method: clinical testing. Allele origin: germline.
Comment: In summary, the available evidence is currently insufficient to determine the role of this variant in disease. Therefore, it has been classified as a Variant of Uncertain Significance. Algorithms developed to predict the effect of missense changes on protein structure and function are either unavailable or do not agree on the potential impact of this missense change (SIFT: "Not Available"; PolyPhen-2: "Possibly Damaging"; Align-GVGD: "Not Available"). This variant has not been reported in the literature in individuals affected with UNC80-related conditions. This variant is present in population databases (rs777396216, gnomAD 0.003%). This sequence change replaces lysine, which is basic and polar, with glutamic acid, which is acidic and polar, at codon 243 of the UNC80 protein (p.Lys243Glu).